The following is an entry in ClinVar:

ClinVar aggregate classification (germline): Likely pathogenic (1 of 4 stars; one submission).

Submission:

Labcorp Genetics (formerly Invitae), Labcorp
Classification: Likely pathogenic. Last evaluated: 2022-10-17. Review status: criteria provided, single submitter. Criteria: Invitae Variant Classification Sherloc (09022015). Collection method: clinical testing. Allele origin: germline.
Comment: In summary, the currently available evidence indicates that the variant is pathogenic, but additional data are needed to prove that conclusively. Therefore, this variant has been classified as Likely Pathogenic. Algorithms developed to predict the effect of sequence changes on RNA splicing suggest that this variant may disrupt the consensus splice site. This variant has not been reported in the literature in individuals affected with SLC12A3-related conditions. This variant is not present in population databases (gnomAD no frequency). This sequence change affects an acceptor splice site in intron 13 of the SLC12A3 gene. It is expected to disrupt RNA splicing. Variants that disrupt the donor or acceptor splice site typically lead to a loss of protein function (PMID: 16199547), and loss-of-function variants in SLC12A3 are known to be pathogenic (PMID: 20848653, 22009145, 25841442).

Literature cited by the submitters: PubMed 16199547; PubMed 20848653; PubMed 22009145; PubMed 25841442.

NM_001126108.2(SLC12A3):c.1670-2A>G

Gene: SLC12A3 (solute carrier family 12 member 3; plus strand). Cytogenetic location: 16q13.
Variant type: single nucleotide variant.
Coding change: c.1670-2A>G on transcript NM_001126108.2 (MANE Select); the canonical splice acceptor site of the intron before coding-DNA position 1670, A replaced by G.
Molecular consequence: splice acceptor variant.
Genome position (GRCh38, 1-based): chr16:56,884,047, A>G. VCF-style: chr16-56884047-A-G. GRCh37 (hg19) VCF-style: chr16-56917959-A-G.
Other names: c.1670-2A>G (NM_000339.3); c.1667-2A>G (NM_001126107.2, NM_001410896.1).
Identifiers: ClinVar variation 2034912 (VCV002034912.4), dbSNP rs2543515205, ClinGen allele CA395990229.